The following is an entry in ClinVar:

NM_001042492.3(NF1):c.6709G>A (p.Ala2237Thr)

Gene: NF1 (neurofibromin 1; plus strand). Cytogenetic location: 17q11.2.
Variant type: single nucleotide variant.
Coding change: c.6709G>A on transcript NM_001042492.3 (MANE Select); coding-DNA position 6709, G replaced by A.
Protein change: p.Ala2237Thr; replaces alanine 2237 with threonine.
Molecular consequence: missense variant.
Genome position (GRCh38, 1-based): chr17:31,338,029, G>A. VCF-style: chr17-31338029-G-A. GRCh37 (hg19) VCF-style: chr17-29665047-G-A.
Other names: c.6646G>A, p.Ala2216Thr (NM_000267.4); short protein forms A2216T, A2237T.
Identifiers: ClinVar variation 3237893 (VCV003237893.1), dbSNP rs2151558043.

ClinVar aggregate classification (germline): Uncertain significance (1 of 4 stars; one submission).

Conditions:
Hereditary cancer-predisposing syndrome. Also called: Neoplastic Syndromes, Hereditary; Tumor predisposition; Hereditary neoplastic syndrome; Hereditary Cancer Syndrome. Identifiers: Orphanet 140162, MedGen C0027672, MeSH D009386, MONDO:0015356.
Cardiovascular phenotype. Identifiers: MedGen CN230736.

Submission:

Ambry Genetics
Classification: Uncertain significance for Cardiovascular phenotype; Hereditary cancer-predisposing syndrome. Last evaluated: 2023-09-21. Review status: criteria provided, single submitter. Criteria: Ambry Variant Classification Scheme 2023. Collection method: clinical testing. Allele origin: germline.
Comment: The p.A2216T variant (also known as c.6646G>A), located in coding exon 44 of the NF1 gene, results from a G to A substitution at nucleotide position 6646. The alanine at codon 2216 is replaced by threonine, an amino acid with similar properties. This amino acid position is conserved. In addition, this alteration is predicted to be deleterious by in silico analysis. Since supporting evidence is limited at this time, the clinical significance of this alteration remains unclear.